The following is an entry in ClinVar:

NM_006662.3(SRCAP):c.8257C>T (p.Arg2753Trp)

Gene: SRCAP (Snf2 related CREBBP activator protein; plus strand). Cytogenetic location: 16p11.2.
Variant type: single nucleotide variant.
Coding change: c.8257C>T on transcript NM_006662.3 (MANE Select); coding-DNA position 8257, C replaced by T.
Protein change: p.Arg2753Trp; replaces arginine 2753 with tryptophan.
Molecular consequence: missense variant.
Genome position (GRCh38, 1-based): chr16:30,738,297, C>T. VCF-style: chr16-30738297-C-T. GRCh37 (hg19) VCF-style: chr16-30749618-C-T.
Other names: short protein forms R2753W.
Identifiers: ClinVar variation 429314 (VCV000429314.5), dbSNP rs1131691316, ClinGen allele CA395636822.
Genomic context (GRCh38, chr16:30,738,297, plus strand): 5'-CAAGGGACTGGTCGGCCAGGACAACCACCAGGCCCCAAAGTGCTTCGAAAGCTGCCAGGA[C>T]GGCTGGTAACTGTGGTAGAGGAAAAGGAACTGGTGCGGCGGCGGCGGCAGCAGCGGGGAG-3'
Protein context (NP_006653.2, residues 2743-2763): GPKVLRKLPG[Arg2753Trp]LVTVVEEKEL

ClinVar aggregate classification (germline): Conflicting classifications of pathogenicity. Review status: criteria provided, conflicting classifications (1 of 4 stars). 2 submissions from 2 submitters: Likely pathogenic (1); Uncertain significance (1). Last evaluated 2022-11-21.

Allele frequency attached by ClinVar (database versions not stated): gnomAD exomes below 0.00001.
gnomAD v4.1: 4 of 1,598,304 alleles (0.00025%); highest among the groups gnomAD compares: Non-Finnish European, 0.00026%; no homozygotes.

Submissions (2):

Revvity Omics, Revvity
Classification: Uncertain significance. Last evaluated: 2022-11-21. Review status: criteria provided, single submitter. Criteria: ACMG Guidelines, 2015. Collection method: clinical testing. Allele origin: germline.

GeneDx
Classification: Likely pathogenic. Last evaluated: 2017-05-05. Review status: criteria provided, single submitter. Criteria: GeneDx Variant Classification (06012015). Collection method: clinical testing. Allele origin: germline. Affected: yes.
Comment: The R2753W variant in the SRCAP gene has not been reported previously as a pathogenic variant, nor as a benign variant, to our knowledge. The R2753W variant is not observed in large population cohorts (Lek et al., 2016; 1000 Genomes Consortium et al., 2015; Exome Variant Server). The R2753W variant is a non-conservative amino acid substitution, which is likely to impact secondary protein structure as these residues differ in polarity, charge, size and/or other properties. This substitution occurs at a position that is conserved across species. In silico analysis is inconsistent in its predictions as to whether or not the variant is damaging to the protein structure/function. We interpret R2753W as a likely pathogenic variant.